The following is an entry in ClinVar:

NM_001105206.3(LAMA4):c.4576C>T (p.His1526Tyr)

Gene: LAMA4 (laminin subunit alpha 4; minus strand). Cytogenetic location: 6q21.
Variant type: single nucleotide variant.
Coding change: c.4576C>T on transcript NM_001105206.3 (MANE Select); coding-DNA position 4576, C replaced by T.
Protein change: p.His1526Tyr; replaces histidine 1526 with tyrosine.
Molecular consequence: missense variant.
Genome position (GRCh38, 1-based): chr6:112,120,372, G>A on the plus strand (C>T on the coding strand, the complement: LAMA4 is on the minus strand). VCF-style: chr6-112120372-G-A. GRCh37 (hg19) VCF-style: chr6-112441575-G-A.
Other names: c.4555C>T, p.His1519Tyr (NM_001105207.3, NM_002290.5); short protein forms H1519Y, H1526Y.
Identifiers: ClinVar variation 1019250 (VCV001019250.8), dbSNP rs1778278954, ClinGen allele CA365369565.
Genomic context (GRCh38, chr6:112,120,372, plus strand): 5'-CCTGGCTTCTAATCTTCAGTTTTTTGTGACCAACATTAAACATGTAAACCAAGCGGCCAT[G>A]GGCCAAAAATAGAGTCATGAAGTCATTCTCTTCTTGATCTGAGACATAGAAGATCATGCC-3'
Protein context (NP_001098676.2, residues 1516-1536): ENDFMTLFLA[His1526Tyr]GRLVYMFNVG

ClinVar aggregate classification (germline): Uncertain significance (1 of 4 stars; one submission).

Conditions:
Dilated cardiomyopathy 1JJ (CMD1JJ). Identifiers: Orphanet 154, MedGen C3808935, MONDO:0014095, OMIM 615235.

Allele frequency attached by ClinVar (database versions not stated): TOPMed below 0.00001.

Submission:

Labcorp Genetics (formerly Invitae), Labcorp
Classification: Uncertain significance for Dilated cardiomyopathy 1JJ. Last evaluated: 2023-03-14. Review status: criteria provided, single submitter. Criteria: Invitae Variant Classification Sherloc (09022015). Collection method: clinical testing. Allele origin: germline.
Comment: ClinVar contains an entry for this variant (Variation ID: 1019250). In summary, the available evidence is currently insufficient to determine the role of this variant in disease. Therefore, it has been classified as a Variant of Uncertain Significance. An algorithm developed to predict the effect of missense changes on protein structure and function (PolyPhen-2) suggests that this variant is likely to be disruptive. This variant has not been reported in the literature in individuals affected with LAMA4-related conditions. This variant is not present in population databases (gnomAD no frequency). This sequence change replaces histidine, which is basic and polar, with tyrosine, which is neutral and polar, at codon 1519 of the LAMA4 protein (p.His1519Tyr).